The following is an entry in ClinVar:

ClinVar aggregate classification (germline): Uncertain significance (1 of 4 stars; one submission).

Conditions:
Adams-Oliver syndrome 5 (AOS5). Identifiers: Orphanet 974, MedGen C4014970, MONDO:0014459, OMIM 616028.

Submission:

Labcorp Genetics (formerly Invitae), Labcorp
Classification: Uncertain significance for Adams-Oliver syndrome 5. Last evaluated: 2024-04-16. Review status: criteria provided, single submitter. Criteria: Invitae Variant Classification Sherloc (09022015). Collection method: clinical testing. Allele origin: germline.
Comment: This sequence change replaces isoleucine, which is neutral and non-polar, with methionine, which is neutral and non-polar, at codon 2000 of the NOTCH1 protein (p.Ile2000Met). This variant is not present in population databases (gnomAD no frequency). This variant has not been reported in the literature in individuals affected with NOTCH1-related conditions. ClinVar contains an entry for this variant (Variation ID: 2201779). Advanced modeling of protein sequence and biophysical properties (such as structural, functional, and spatial information, amino acid conservation, physicochemical variation, residue mobility, and thermodynamic stability) has been performed at Invitae for this missense variant, however the output from this modeling did not meet the statistical confidence thresholds required to predict the impact of this variant on NOTCH1 protein function. In summary, the available evidence is currently insufficient to determine the role of this variant in disease. Therefore, it has been classified as a Variant of Uncertain Significance.

NM_017617.5(NOTCH1):c.6000C>G (p.Ile2000Met)

Genes: NOTCH1 (notch receptor 1; minus strand), LOC126860794 (BRD4-independent group 4 enhancer GRCh37_chr9:139392592-139393791; plus strand). Cytogenetic location: 9q34.3.
Variant type: single nucleotide variant.
Coding change: c.6000C>G on transcript NM_017617.5 (MANE Select); coding-DNA position 6000, C replaced by G.
Protein change: p.Ile2000Met; replaces isoleucine 2000 with methionine.
Molecular consequence: missense variant.
Genome position (GRCh38, 1-based): chr9:136,499,194, G>C on the plus strand (C>G on the coding strand, the complement: NOTCH1 is on the minus strand). VCF-style: chr9-136499194-G-C. GRCh37 (hg19) VCF-style: chr9-139393646-G-C.
Other names: short protein forms I2000M.
Identifiers: ClinVar variation 2201779 (VCV002201779.4), dbSNP rs773987257, ClinGen allele CA375634614.